The following is an entry in ClinVar:

NM_006073.4(TRDN):c.65G>T (p.Gly22Val)

Gene: TRDN (triadin; minus strand). Cytogenetic location: 6q22.31.
Variant type: single nucleotide variant.
Coding change: c.65G>T on transcript NM_006073.4 (MANE Select); coding-DNA position 65, G replaced by T.
Protein change: p.Gly22Val; replaces glycine 22 with valine.
Molecular consequence: missense variant.
Genome position (GRCh38, 1-based): chr6:123,571,090, C>A on the plus strand (G>T on the coding strand, the complement: TRDN is on the minus strand). VCF-style: chr6-123571090-C-A. GRCh37 (hg19) VCF-style: chr6-123892235-C-A.
Other names: p.Gly22Val; c.65G>T, p.Gly22Val (NM_001251987.2, NM_001256020.2, NM_001256021.2 and 2 more transcripts); short protein forms G22V.
Identifiers: ClinVar variation 2560399 (VCV002560399.4), dbSNP rs1782554875, ClinGen allele CA365569353.

ClinVar aggregate classification (germline): Uncertain significance. Review status: criteria provided, multiple submitters, no conflicts (2 of 4 stars). 2 submissions from 2 submitters: Uncertain significance (2). Last evaluated 2024-05-08.

Conditions:
Cardiovascular phenotype. Identifiers: MedGen CN230736.

gnomAD v4.1: 1 of 1,613,916 alleles (0.000062%); no homozygotes.

Submissions (2):

Ambry Genetics
Classification: Uncertain significance for Cardiovascular phenotype. Last evaluated: 2024-05-08. Review status: criteria provided, single submitter. Criteria: Ambry Variant Classification Scheme 2023. Collection method: clinical testing. Allele origin: germline.

Mayo Clinic Laboratories, Mayo Clinic
Classification: Uncertain significance. Last evaluated: 2024-01-11. Review status: criteria provided, single submitter. Criteria: ACMG Guidelines, 2015. Collection method: clinical testing. Allele origin: germline. Observed: 1 variant allele.
Comment: PM2